The following is an entry in ClinVar:

ClinVar aggregate classification (germline): Pathogenic (1 of 4 stars; one submission).

Submission:

Labcorp Genetics (formerly Invitae), Labcorp
Classification: Pathogenic. Last evaluated: 2023-12-12. Review status: criteria provided, single submitter. Criteria: Invitae Variant Classification Sherloc (09022015). Collection method: clinical testing. Allele origin: germline.
Comment: This sequence change creates a premature translational stop signal (p.Ser203Leufs*5) in the TPP1 gene. It is expected to result in an absent or disrupted protein product. Loss-of-function variants in TPP1 are known to be pathogenic (PMID: 10330339). This variant is not present in population databases (gnomAD no frequency). This variant has not been reported in the literature in individuals affected with TPP1-related conditions. ClinVar contains an entry for this variant (Variation ID: 2135839). Algorithms developed to predict the effect of sequence changes on RNA splicing suggest that this variant may disrupt the consensus splice site. For these reasons, this variant has been classified as Pathogenic.

Literature cited by the submitters: PubMed 10330339.

NM_000391.4(TPP1):c.606dup (p.Ser203fs)

Gene: TPP1 (tripeptidyl peptidase 1; minus strand). Cytogenetic location: 11p15.4.
Variant type: Duplication.
Coding change: c.606dup on transcript NM_000391.4 (MANE Select); coding-DNA position 606, one base duplicated (C; older notation c.606dupC).
Protein change: p.Ser203fs; shifts the reading frame from serine 203.
Molecular consequence: frameshift variant.
Genome position (GRCh38, 1-based): chr11:6,617,056, G duplicated on the plus strand (C on the coding strand, the reverse complement: TPP1 is on the minus strand); the first of 5 consecutive G bases (chr11:6,617,056-6,617,060); duplicating any one gives the same sequence. VCF-style (leftmost placement, unchanged base first): chr11-6617055-A-AG. GRCh37 (hg19) VCF-style: chr11-6638286-A-AG.
Other names: short protein forms S203fs.
Identifiers: ClinVar variation 2135839 (VCV002135839.4), dbSNP rs1422121082, ClinGen allele CA2580084015.